The following is an entry in ClinVar:

NM_006063.3(KLHL41):c.1346T>C (p.Ile449Thr)

Gene: KLHL41 (kelch like family member 41; plus strand). Cytogenetic location: 2q31.1.
Variant type: single nucleotide variant.
Coding change: c.1346T>C on transcript NM_006063.3 (MANE Select); coding-DNA position 1346, T replaced by C.
Protein change: p.Ile449Thr; replaces isoleucine 449 with threonine.
Molecular consequence: missense variant.
Genome position (GRCh38, 1-based): chr2:169,514,931, T>C. VCF-style: chr2-169514931-T-C. GRCh37 (hg19) VCF-style: chr2-170371441-T-C.
Other names: short protein forms I449T.
Identifiers: ClinVar variation 1477138 (VCV001477138.8), dbSNP rs1410868438, ClinGen allele CA349178838.
Genomic context (GRCh38, chr2:169,514,931, plus strand): 5'-AAGTAAAAAAACTCCCTATCAAAGTCTATGGCCATAATGTGATTTCACATAAAGGGATGA[T>C]ATATTGTCTAGGAGGAAAGACAGATGACAAGTAAGTACCCTGAACTCTCATGATTTATGT-3'
Protein context (NP_006054.2, residues 439-459): GHNVISHKGM[Ile449Thr]YCLGGKTDDK

ClinVar aggregate classification (germline): Uncertain significance (1 of 4 stars; one submission).

Conditions:
Nemaline myopathy 9 (NEM9). Identifiers: MedGen C3810384, MONDO:0014326, OMIM 615731.

Allele frequency attached by ClinVar (database versions not stated): TOPMed below 0.00001; gnomAD 0.00001.

Submission:

Labcorp Genetics (formerly Invitae), Labcorp
Classification: Uncertain significance for Nemaline myopathy 9. Last evaluated: 2021-03-10. Review status: criteria provided, single submitter. Criteria: Invitae Variant Classification Sherloc (09022015). Collection method: clinical testing. Allele origin: germline.
Comment: Algorithms developed to predict the effect of missense changes on protein structure and function (SIFT, PolyPhen-2, Align-GVGD) all suggest that this variant is likely to be disruptive, but these predictions have not been confirmed by published functional studies and their clinical significance is uncertain. This variant has not been reported in the literature in individuals with KLHL41-related conditions. This variant is not present in population databases (ExAC no frequency). This sequence change replaces isoleucine with threonine at codon 449 of the KLHL41 protein (p.Ile449Thr). The isoleucine residue is highly conserved and there is a moderate physicochemical difference between isoleucine and threonine. In summary, the available evidence is currently insufficient to determine the role of this variant in disease. Therefore, it has been classified as a Variant of Uncertain Significance.